The following is an entry in ClinVar:

NM_003105.6(SORL1):c.2608G>A (p.Val870Ile)

Gene: SORL1 (sortilin related receptor 1; plus strand). Cytogenetic location: 11q24.1.
Variant type: single nucleotide variant.
Coding change: c.2608G>A on transcript NM_003105.6 (MANE Select); coding-DNA position 2608, G replaced by A.
Protein change: p.Val870Ile; replaces valine 870 with isoleucine.
Molecular consequence: missense variant.
Genome position (GRCh38, 1-based): chr11:121,557,350, G>A. VCF-style: chr11-121557350-G-A. GRCh37 (hg19) VCF-style: chr11-121428059-G-A.
Other names: short protein forms V870I.
Identifiers: ClinVar variation 2472662 (VCV002472662.5), dbSNP rs150245521, ClinGen allele CA6329008.
Genomic context (GRCh38, chr11:121,557,350, plus strand): 5'-CTCTTTTCCCCCTGTTTTTGTCAGGTAGCTAATCCAGATGGCGACTTCCGACTCACAATC[G>A]TCAATTCCTCTGTGCTTGATCGTCCCAGGGCTCTGGTCCTCGTGCCCCAAGAGGGGTAAG-3'
Protein context (NP_003096.2, residues 860-880): NPDGDFRLTI[Val870Ile]NSSVLDRPRA

ClinVar aggregate classification (germline): Uncertain significance. Review status: criteria provided, multiple submitters, no conflicts (2 of 4 stars). 2 submissions from 2 submitters: Uncertain significance (2). Last evaluated 2023-02-24.

Allele frequency attached by ClinVar (database versions not stated): ExAC 0.00002; ESP Exome Variant Server 0.00008; 1000 Genomes Project 30x 0.00031; 1000 Genomes Project 0.00040.

Submissions (2):

Labcorp Genetics (formerly Invitae), Labcorp
Classification: Uncertain significance. Last evaluated: 2023-02-24. Review status: criteria provided, single submitter. Criteria: Invitae Variant Classification Sherloc (09022015). Collection method: clinical testing. Allele origin: germline.
Comment: In summary, the available evidence is currently insufficient to determine the role of this variant in disease. Therefore, it has been classified as a Variant of Uncertain Significance. Algorithms developed to predict the effect of missense changes on protein structure and function output the following: SIFT: "Not Available"; PolyPhen-2: "Benign"; Align-GVGD: "Not Available". The isoleucine amino acid residue is found in multiple mammalian species, which suggests that this missense change does not adversely affect protein function. This variant has not been reported in the literature in individuals affected with SORL1-related conditions. This variant is present in population databases (rs150245521, gnomAD 0.01%). This sequence change replaces valine, which is neutral and non-polar, with isoleucine, which is neutral and non-polar, at codon 870 of the SORL1 protein (p.Val870Ile).

Ambry Genetics
Classification: Uncertain significance. Last evaluated: 2023-01-23. Review status: criteria provided, single submitter. Criteria: Ambry Variant Classification Scheme 2023. Collection method: clinical testing. Allele origin: germline.